The following is an entry in ClinVar:

ClinVar aggregate classification (germline): Uncertain significance (1 of 4 stars; one submission).

Conditions:
Pontocerebellar hypoplasia type 6 (PCH6). Identifiers: Orphanet 166073, MedGen C1969084, MONDO:0012683, OMIM 611523.

Submission:

Baylor Genetics
Classification: Uncertain significance for Pontocerebellar hypoplasia type 6. Last evaluated: 2018-05-11. Review status: criteria provided, single submitter. Criteria: ACMG Guidelines, 2015. Collection method: clinical testing. Allele origin: paternal. Affected: yes.
Comment: This variant was determined to be of uncertain significance according to ACMG Guidelines, 2015 [PMID:25741868].

NM_020320.5(RARS2):c.340T>C (p.Leu114=)

Gene: RARS2 (arginyl-tRNA synthetase 2, mitochondrial; minus strand). Cytogenetic location: 6q15.
Variant type: single nucleotide variant.
Coding change: c.340T>C on transcript NM_020320.5 (MANE Select); coding-DNA position 340, T replaced by C.
Protein change: p.Leu114=; no amino-acid change (leucine 114 retained).
Molecular consequence: synonymous variant. On other transcripts: 5 prime UTR variant (7), non-coding transcript variant (23).
Genome position (GRCh38, 1-based): chr6:87,555,463, A>G on the plus strand (T>C on the coding strand, the complement: RARS2 is on the minus strand). VCF-style: chr6-87555463-A-G. GRCh37 (hg19) VCF-style: chr6-88265181-A-G.
Other names: c.-130T>C (NM_001318785.2, NM_001350509.2); c.340T>C, p.Leu114= (NM_001350505.2); c.-186T>C (NM_001350506.2, NM_001350507.2, NM_001350510.2 and 1 more transcripts); c.-348T>C (NM_001350508.2).
Identifiers: ClinVar variation 1032076 (VCV001032076.1), dbSNP rs1785581058, ClinGen allele CA451158443.